The following is an entry in ClinVar:

ClinVar aggregate classification (germline): Uncertain significance. Review status: criteria provided, multiple submitters, no conflicts (2 of 4 stars). 3 submissions from 3 submitters: Uncertain significance (2). 1 of the submissions does not count toward it. Last evaluated 2026-08-26.

Conditions:
Hereditary cancer-predisposing syndrome. Also called: Tumor predisposition; Hereditary Cancer Syndrome; Hereditary neoplastic syndrome; Neoplastic Syndromes, Hereditary. Identifiers: Orphanet 140162, MedGen C0027672, MeSH D009386, MONDO:0015356.
Familial adenomatous polyposis 1 (FAP1). Also called: POLYPOSIS, ADENOMATOUS INTESTINAL; FAMILIAL ADENOMATOUS POLYPOSIS 1, ATTENUATED. Identifiers: MedGen C2713442, MONDO:0021056, OMIM 175100. Disease mechanism: loss of function.
Carcinoma of colon (CRC). Also called: Colonic carcinoma; Colon carcinoma. Identifiers: MedGen C0699790, MONDO:0002032.

Submissions (3):

Ambry Genetics
Classification: Uncertain significance for Hereditary cancer-predisposing syndrome. Last evaluated: 2026-08-26. Review status: criteria provided, single submitter. Criteria: Ambry Variant Classification Scheme 2023. Collection method: clinical testing. Allele origin: germline.
Comment: The p.T930I variant (also known as c.2789C>T), located in coding exon 15 of the APC gene, results from a C to T substitution at nucleotide position 2789. The threonine at codon 930 is replaced by isoleucine, an amino acid with similar properties. This amino acid position is not well conserved in available vertebrate species. In addition, in silico predictors for this gene do not accurately predict pathogenicity. Missense variants in APC are not a common cause of disease (Spier I et al. Genet Med. 2024 Feb;26(2):100992). Based on the available evidence, the clinical significance of this variant remains unclear.

Labcorp Genetics (formerly Invitae), Labcorp
Classification: Uncertain significance for Familial adenomatous polyposis 1. Last evaluated: 2026-01-09. Review status: criteria provided, single submitter. Criteria: Invitae Variant Classification Sherloc (09022015). Collection method: clinical testing. Allele origin: germline.
Comment: This sequence change replaces threonine, which is neutral and polar, with isoleucine, which is neutral and non-polar, at codon 930 of the APC protein (p.Thr930Ile). This variant is not present in population databases (gnomAD no frequency). This variant has not been reported in the literature in individuals affected with APC-related conditions. ClinVar contains an entry for this variant (Variation ID: 1022660). Invitae Evidence Modeling of protein sequence and biophysical properties (such as structural, functional, and spatial information, amino acid conservation, physicochemical variation, residue mobility, and thermodynamic stability) indicates that this missense variant is not expected to disrupt APC protein function with a negative predictive value of 95%. In summary, the available evidence is currently insufficient to determine the role of this variant in disease. Therefore, it has been classified as a Variant of Uncertain Significance.

Department of Pathology and Laboratory Medicine, Sinai Health System
Classification: Uncertain significance for Carcinoma of colon. Review status: no assertion criteria provided. Collection method: clinical testing. Allele origin: unknown. Affected: yes. Study: The Canadian Open Genetics Repository (COGR). Not counted in ClinVar's aggregate classification.
Comment: The APC p.Ser940Leu variant was not identified in the literature nor was it identified in the 1000 Genomes Project, NHLBI GO Exome Sequencing Project, the Exome Aggregation Consortium (March 14, 2016), Clinvitae, COSMIC, InSiGHT Colon Cancer Gene Variant (LOVD), Zhejiang Colon Cancer (LOVD), ClinVar, GeneInsight â€šÃ„Ã¬ COGR and UMD databases. The variant was identified in dbSNP (ID: rs544709767) as â€šÃ„ÃºNAâ€šÃ„Ã¹, but no frequency information was provided; thus the prevalence of this variant in the general population could not be determined. The p.Ser940 residue is conserved in mammals and computational analyses (PolyPhen-2, SIFT, AlignGVGD, BLOSUM, MutationTaster) provide inconsistent predictions regarding the impact to the protein; this information is not very predictive of pathogenicity. The variant occurs outside of the splicing consensus sequence and 1 of 5 in silico or computational prediction software programs (SpliceSiteFinder, MaxEntScan, NNSPLICE, GeneSplicer, HumanSpliceFinder) predict a greater than 10% difference in splicing; this is not very predictive of pathogenicity. In summary, based on the above information, the clinical significance of this variant cannot be determined with certainty at this time. This variant is classified as a variant of uncertain significance.

NM_000038.6(APC):c.2789C>T (p.Thr930Ile)

Gene: APC (APC regulator of Wnt signaling pathway; plus strand). Cytogenetic location: 5q22.2.
Variant type: single nucleotide variant.
Coding change: c.2789C>T on transcript NM_000038.6 (MANE Select); coding-DNA position 2789, C replaced by T.
Protein change: p.Thr930Ile; replaces threonine 930 with isoleucine.
Molecular consequence: missense variant.
Genome position (GRCh38, 1-based): chr5:112,838,383, C>T. VCF-style: chr5-112838383-C-T. GRCh37 (hg19) VCF-style: chr5-112174080-C-T.
Other names: c.2789C>T, p.Thr930Ile (NM_001127510.3, NM_001354895.2); c.2735C>T, p.Thr912Ile (NM_001127511.3); c.2843C>T, p.Thr948Ile (NM_001354896.2); c.2819C>T, p.Thr940Ile (NM_001354897.2); c.2714C>T, p.Thr905Ile (NM_001354898.2); c.2705C>T, p.Thr902Ile (NM_001354899.2); c.2666C>T, p.Thr889Ile (NM_001354900.2); c.2612C>T, p.Thr871Ile (NM_001354901.2); and 6 more; short protein forms T647I, T770I, T804I, T829I, T839I, T871I, T889I, T902I.
Identifiers: ClinVar variation 1022660 (VCV001022660.12), dbSNP rs1580627038, ClinGen allele CA16027415.